The following is an entry in ClinVar:

ClinVar aggregate classification (germline): Uncertain significance. Review status: criteria provided, multiple submitters, no conflicts (2 of 4 stars). 3 submissions from 3 submitters: Uncertain significance (3). Last evaluated 2026-01-09.

Conditions:
Cardiovascular phenotype. Identifiers: MedGen CN230736.
DiGeorge syndrome. Also called: THIRD AND FOURTH PHARYNGEAL POUCH SYNDROME; Catch22. Identifiers: Orphanet 567, MedGen C0012236, MONDO:0008564, OMIM 188400.

Allele frequency attached by ClinVar (database versions not stated): gnomAD 0.00003; TOPMed 0.00003; gnomAD exomes 0.00015.

Submissions (3):

Labcorp Genetics (formerly Invitae), Labcorp
Classification: Uncertain significance for DiGeorge syndrome. Last evaluated: 2026-01-09. Review status: criteria provided, single submitter. Criteria: Invitae Variant Classification Sherloc (09022015). Collection method: clinical testing. Allele origin: germline.
Comment: This sequence change replaces proline, which is neutral and non-polar, with leucine, which is neutral and non-polar, at codon 46 of the TBX1 protein (p.Pro46Leu). The frequency data for this variant in the population databases is considered unreliable, as metrics indicate poor data quality at this position in the gnomAD database. This variant has not been reported in the literature in individuals affected with TBX1-related conditions. ClinVar contains an entry for this variant (Variation ID: 951187). Invitae Evidence Modeling of protein sequence and biophysical properties (such as structural, functional, and spatial information, amino acid conservation, physicochemical variation, residue mobility, and thermodynamic stability) indicates that this missense variant is not expected to disrupt TBX1 protein function with a negative predictive value of 80%. In summary, the available evidence is currently insufficient to determine the role of this variant in disease. Therefore, it has been classified as a Variant of Uncertain Significance.

Ambry Genetics
Classification: Uncertain significance for Cardiovascular phenotype. Last evaluated: 2025-05-18. Review status: criteria provided, single submitter. Criteria: Ambry Variant Classification Scheme 2023. Collection method: clinical testing. Allele origin: germline.

Women's Health and Genetics/Laboratory Corporation of America, LabCorp
Classification: Uncertain significance. Last evaluated: 2023-07-12. Review status: criteria provided, single submitter. Criteria: LabCorp Variant Classification Summary - May 2015. Collection method: clinical testing. Allele origin: germline.
Comment: Variant summary: TBX1 c.137C>T (p.Pro46Leu) results in a non-conservative amino acid change in the encoded protein sequence. Three of five in-silico tools predict a benign effect of the variant on protein function. The variant allele was found at a frequency of 2.8e-05 in 144232 control chromosomes (gnomAD v3.1, genomes dataset). The available data on variant occurrences in the general population are insufficient to allow any conclusion about variant significance. To our knowledge, no occurrence of c.137C>T in individuals affected with TBX1-Related Disorders and no experimental evidence demonstrating its impact on protein function have been reported. One submitter has cited clinical-significance assessments for this variant to ClinVar after 2014 and has classified the variant as uncertain significance. Based on the evidence outlined above, the variant was classified as uncertain significance.

NM_001379200.1(TBX1):c.164C>T (p.Pro55Leu)

Gene: TBX1 (T-box transcription factor 1; plus strand). Cytogenetic location: 22q11.21.
Variant type: single nucleotide variant.
Coding change: c.164C>T on transcript NM_001379200.1 (MANE Select); coding-DNA position 164, C replaced by T.
Protein change: p.Pro55Leu; replaces proline 55 with leucine.
Molecular consequence: missense variant.
Genome position (GRCh38, 1-based): chr22:19,761,007, C>T. VCF-style: chr22-19761007-C-T. GRCh37 (hg19) VCF-style: chr22-19748530-C-T.
Other names: c.137C>T, p.Pro46Leu (NM_005992.1, NM_080646.2, NM_080647.1); short protein forms P46L, P55L.
Identifiers: ClinVar variation 951187 (VCV000951187.9), dbSNP rs1464455403, ClinGen allele CA410681283.